The following is an entry in ClinVar:

ClinVar aggregate classification (germline): Likely benign (1 of 4 stars; one submission).

Conditions:
NCOA1-related disorder. Also called: NCOA1-related condition.

gnomAD v4.1: 16 of 1,588,734 alleles (0.001%); highest among the groups gnomAD compares: African/African-American, 0.0014%; no homozygotes.

Submission:

PreventionGenetics, part of Exact Sciences
Classification: Likely benign for NCOA1-related condition. Last evaluated: 2025-07-03. Review status: criteria provided, single submitter. Criteria: ACMG Guidelines, 2015. Collection method: clinical testing. Allele origin: germline.
Comment: This variant is classified as likely benign based on ACMG/AMP sequence variant interpretation guidelines (Richards et al. 2015 PMID: 25741868, with internal and published modifications).

NM_003743.5(NCOA1):c.483C>T (p.His161=)

Gene: NCOA1 (nuclear receptor coactivator 1; plus strand). Cytogenetic location: 2p23.3.
Variant type: single nucleotide variant.
Coding change: c.483C>T on transcript NM_003743.5 (MANE Select); coding-DNA position 483, C replaced by T.
Protein change: p.His161=; no amino-acid change (histidine 161 retained).
Molecular consequence: synonymous variant.
Genome position (GRCh38, 1-based): chr2:24,683,079, C>T. VCF-style: chr2-24683079-C-T. GRCh37 (hg19) VCF-style: chr2-24905948-C-T.
Other names: c.483C>T, p.His161= (NM_001362950.1, NM_001362952.1, NM_001362954.1 and 3 more transcripts).
Identifiers: ClinVar variation 4979192 (VCV004979192.1).